The following is an entry in ClinVar:

ClinVar aggregate classification (germline): Benign. Review status: criteria provided, multiple submitters, no conflicts (2 of 4 stars). 3 submissions from 3 submitters: Benign (3). Last evaluated 2026-03-01.

Allele frequency attached by ClinVar (database versions not stated): gnomAD exomes 0.00029 and 0.00051; ExAC 0.00051; ESP Exome Variant Server 0.00069; gnomAD 0.00133 and 0.00143; 1000 Genomes Project 30x 0.00141; TOPMed 0.00161; 1000 Genomes Project 0.00180.
gnomAD v4.1: 653 of 1,614,154 alleles (0.04%); highest among the groups gnomAD compares: African/African-American, 0.52%; 1 homozygote.

Submissions (3):

CeGaT Center for Human Genetics Tuebingen
Classification: Benign. Last evaluated: 2026-03-01. Review status: criteria provided, single submitter. Criteria: CeGaT Center For Human Genetics Tuebingen Variant Classification Criteria Version 2. Collection method: clinical testing. Allele origin: germline. Affected: yes. Observed: 1 variant allele.
Comment: SEMA5A: BP4, BS1, BS2

Labcorp Genetics (formerly Invitae), Labcorp
Classification: Benign. Last evaluated: 2019-12-31. Review status: criteria provided, single submitter. Criteria: Invitae Variant Classification Sherloc (09022015). Collection method: clinical testing. Allele origin: germline.

Breakthrough Genomics
Classification: Benign. Review status: criteria provided, single submitter. Criteria: ACMG Guidelines, 2015. Collection method: not provided. Allele origin: germline. Inheritance: Unknown mechanism. Affected: yes.

NM_003966.3(SEMA5A):c.2004A>G (p.Gln668=)

Gene: SEMA5A (semaphorin 5A; minus strand). Cytogenetic location: 5p15.31.
Variant type: single nucleotide variant.
Coding change: c.2004A>G on transcript NM_003966.3 (MANE Select); coding-DNA position 2004, A replaced by G.
Protein change: p.Gln668=; no amino-acid change (glutamine 668 retained).
Molecular consequence: synonymous variant.
Genome position (GRCh38, 1-based): chr5:9,108,209, T>C on the plus strand (A>G on the coding strand, the complement: SEMA5A is on the minus strand). VCF-style: chr5-9108209-T-C. GRCh37 (hg19) VCF-style: chr5-9108321-T-C.
Identifiers: ClinVar variation 713681 (VCV000713681.9), dbSNP rs149012151, ClinGen allele CA3196569.
Genomic context (GRCh38, chr5:9,108,209, plus strand): 5'-GCCTGCACAGTCAGGCCCATTCTCACAGATCCTGCGGCGAGCTTGAATGCCACCCCCGCA[T>C]TGGGCTGTGCACCGTTCCCAAGGACCCCAGCCTGTCCAGAACATGTGTGGGGGACATAGC-3'
Protein context (NP_003957.2, residues 658-678): GWGPWERCTA[Gln668=]CGGGIQARRR